The following is an entry in ClinVar:

NM_000632.4(ITGAM):c.1790G>A (p.Gly597Glu)

Gene: ITGAM (integrin subunit alpha M; plus strand). Cytogenetic location: 16p11.2.
Variant type: single nucleotide variant.
Coding change: c.1790G>A on transcript NM_000632.4 (MANE Select); coding-DNA position 1790, G replaced by A.
Protein change: p.Gly597Glu; replaces glycine 597 with glutamic acid.
Molecular consequence: missense variant.
Genome position (GRCh38, 1-based): chr16:31,321,323, G>A. VCF-style: chr16-31321323-G-A. GRCh37 (hg19) VCF-style: chr16-31332644-G-A.
Other names: c.1793G>A, p.Gly598Glu (NM_001145808.2); c.1790G>A (NM_000632.3); short protein forms G597E, G598E.
Identifiers: ClinVar variation 1447409 (VCV001447409.9), dbSNP rs199700282, ClinGen allele CA8025660.

ClinVar aggregate classification (germline): Uncertain significance. Review status: criteria provided, multiple submitters, no conflicts (2 of 4 stars). 2 submissions from 2 submitters: Uncertain significance (2). Last evaluated 2025-11-07.

Allele frequency attached by ClinVar (database versions not stated): ESP Exome Variant Server 0.00008; gnomAD 0.00008.
gnomAD v4.1: 102 of 1,613,908 alleles (0.0063%); highest among the groups gnomAD compares: Non-Finnish European, 0.0082%; no homozygotes.

Submissions (2):

Ambry Genetics
Classification: Uncertain significance. Last evaluated: 2025-11-07. Review status: criteria provided, single submitter. Criteria: Ambry Variant Classification Scheme 2023. Collection method: clinical testing. Allele origin: germline.

Labcorp Genetics (formerly Invitae), Labcorp
Classification: Uncertain significance. Last evaluated: 2025-07-04. Review status: criteria provided, single submitter. Criteria: Invitae Variant Classification Sherloc (09022015). Collection method: clinical testing. Allele origin: germline.
Comment: This sequence change replaces glycine, which is neutral and non-polar, with glutamic acid, which is acidic and polar, at codon 597 of the ITGAM protein (p.Gly597Glu). This variant is present in population databases (rs199700282, gnomAD 0.01%). This variant has not been reported in the literature in individuals affected with ITGAM-related conditions. ClinVar contains an entry for this variant (Variation ID: 1447409). An algorithm developed to predict the effect of missense changes on protein structure and function (PolyPhen-2) suggests that this variant is likely to be disruptive. In summary, the available evidence is currently insufficient to determine the role of this variant in disease. Therefore, it has been classified as a Variant of Uncertain Significance.